The following is an entry in ClinVar:

ClinVar aggregate classification (germline): Likely benign. Review status: criteria provided, multiple submitters, no conflicts (2 of 4 stars). 3 submissions from 3 submitters: Likely benign (3). Last evaluated 2024-11-26.

Allele frequency attached by ClinVar (database versions not stated): gnomAD exomes 0.00016 and 0.00041; ExAC 0.00056; gnomAD 0.00196 and 0.00207; TOPMed 0.00196; ESP Exome Variant Server 0.00232; 1000 Genomes Project 0.00240; 1000 Genomes Project 30x 0.00281.
gnomAD v4.1: 540 of 1,614,050 alleles (0.033%); highest among the groups gnomAD compares: African/African-American, 0.66%; 2 homozygotes.

Submissions (3):

Blueprint Genetics
Classification: Likely benign. Last evaluated: 2024-11-26. Review status: criteria provided, single submitter. Criteria: ACMG Guidelines, 2015. Collection method: clinical testing. Allele origin: germline.

CeGaT Center for Human Genetics Tuebingen
Classification: Likely benign. Last evaluated: 2022-12-01. Review status: criteria provided, single submitter. Criteria: CeGaT Center For Human Genetics Tuebingen Variant Classification Criteria Version 2. Collection method: clinical testing. Allele origin: germline. Affected: yes. Observed: 1 variant allele.
Comment: KIF5C: BP4, BS1

GeneDx
Classification: Likely benign. Last evaluated: 2020-04-02. Review status: criteria provided, single submitter. Criteria: GeneDx Variant Classification Process June 2021. Collection method: clinical testing. Allele origin: germline. Affected: yes.

NM_004522.3(KIF5C):c.2863T>C (p.Tyr955His)

Gene: KIF5C (kinesin family member 5C; plus strand). Cytogenetic location: 2q23.2.
Variant type: single nucleotide variant.
Coding change: c.2863T>C on transcript NM_004522.3 (MANE Select); coding-DNA position 2863, T replaced by C.
Protein change: p.Tyr955His; replaces tyrosine 955 with histidine.
Molecular consequence: missense variant. On other transcripts: non-coding transcript variant (1).
Genome position (GRCh38, 1-based): chr2:149,011,665, T>C. VCF-style: chr2-149011665-T-C. GRCh37 (hg19) VCF-style: chr2-149868179-T-C.
Other names: short protein forms Y955H.
Identifiers: ClinVar variation 378056 (VCV000378056.28), dbSNP rs202039159, ClinGen allele CA1901807.